The following is an entry in ClinVar:

NM_032634.4(PIGO):c.2425C>T (p.Arg809Trp)

Gene: PIGO (phosphatidylinositol glycan anchor biosynthesis class O; minus strand). Cytogenetic location: 9p13.3.
Variant type: single nucleotide variant.
Coding change: c.2425C>T on transcript NM_032634.4 (MANE Select); coding-DNA position 2425, C replaced by T.
Protein change: p.Arg809Trp; replaces arginine 809 with tryptophan.
Molecular consequence: missense variant. On other transcripts: intron variant (2).
Genome position (GRCh38, 1-based): chr9:35,091,462, G>A on the plus strand (C>T on the coding strand, the complement: PIGO is on the minus strand). VCF-style: chr9-35091462-G-A. GRCh37 (hg19) VCF-style: chr9-35091459-G-A.
Other names: c.1345-171C>T (NM_152850.4, NM_001201484.2); short protein forms R809W.
Identifiers: ClinVar variation 3369124 (VCV003369124.2).

ClinVar aggregate classification (germline): Uncertain significance. Review status: criteria provided, multiple submitters, no conflicts (2 of 4 stars). 2 submissions from 2 submitters: Uncertain significance (2). Last evaluated 2025-08-02.

Conditions:
Inborn genetic diseases. Identifiers: MedGen C0950123, MeSH D030342.

Submissions (2):

Ambry Genetics
Classification: Uncertain significance for Inborn genetic diseases. Last evaluated: 2025-08-02. Review status: criteria provided, single submitter. Criteria: Ambry Variant Classification Scheme 2023. Collection method: clinical testing. Allele origin: germline.

GeneDx
Classification: Uncertain significance. Last evaluated: 2024-02-13. Review status: criteria provided, single submitter. Criteria: GeneDx Variant Classification Process June 2021. Collection method: clinical testing. Allele origin: germline. Affected: yes.
Comment: Not observed at significant frequency in large population cohorts (gnomAD); In silico analysis supports that this missense variant does not alter protein structure/function; Has not been previously published as pathogenic or benign to our knowledge